The following is an entry in ClinVar:

NC_000001.10:g.(?_16011044)_(16060439_?)dup

Gene: PLEKHM2 (pleckstrin homology and RUN domain containing M2; plus strand). Cytogenetic location: 1p36.21.
Variant type: Duplication.
Identifiers: ClinVar variation 1443360 (VCV001443360.5).

ClinVar aggregate classification (germline): Uncertain significance (1 of 4 stars; one submission).

Conditions:
Dilated Cardiomyopathy, Recessive.

Submission:

Labcorp Genetics (formerly Invitae), Labcorp
Classification: Uncertain significance. Last evaluated: 2022-03-09. Review status: criteria provided, single submitter. Criteria: Invitae Variant Classification Sherloc (09022015). Collection method: clinical testing. Allele origin: germline.
Comment: In summary, the available evidence is currently insufficient to determine the role of this variant in disease. Therefore, it has been classified as a Variant of Uncertain Significance. Experimental studies and prediction algorithms are not available or were not evaluated, and the functional significance of this variant is currently unknown. This variant has not been reported in the literature in individuals affected with PLEKHM2-related conditions. A copy number gain of the genomic region encompassing the full coding sequence of the PLEKHM2 gene has been identified. The boundaries of this event are unknown as they extend beyond the assayed region for this gene and therefore may encompass additional genes. As the precise location of this event is unknown, it may be in tandem or it may be located elsewhere in the genome.